The following is an entry in ClinVar:

ClinVar aggregate classification (germline): Uncertain significance (1 of 4 stars; one submission).

Conditions:
Retinoblastoma (RB1). Also called: RETINOBLASTOMA, SOMATIC. Identifiers: Orphanet 790, MedGen C0035335, MeSH D012175, MONDO:0008380, OMIM 180200, HP:0009919. Disease mechanism: loss of function. Inheritance: Both sporadic and heritable forms are tested..

Allele frequency attached by ClinVar (database versions not stated): TOPMed below 0.00001; gnomAD 0.00001.
gnomAD v4.1: 1 of 1,611,486 alleles (0.000062%); highest among the groups gnomAD compares: African/African-American, 0.0013%; no homozygotes.

Submission:

Labcorp Genetics (formerly Invitae), Labcorp
Classification: Uncertain significance for Retinoblastoma. Last evaluated: 2024-04-29. Review status: criteria provided, single submitter. Criteria: Invitae Variant Classification Sherloc (09022015). Collection method: clinical testing. Allele origin: germline.
Comment: This sequence change replaces isoleucine, which is neutral and non-polar, with methionine, which is neutral and non-polar, at codon 806 of the RB1 protein (p.Ile806Met). This variant is not present in population databases (gnomAD no frequency). This variant has not been reported in the literature in individuals affected with RB1-related conditions. ClinVar contains an entry for this variant (Variation ID: 848543). Advanced modeling of protein sequence and biophysical properties (such as structural, functional, and spatial information, amino acid conservation, physicochemical variation, residue mobility, and thermodynamic stability) has been performed at Invitae for this missense variant, however the output from this modeling did not meet the statistical confidence thresholds required to predict the impact of this variant on RB1 protein function. In summary, the available evidence is currently insufficient to determine the role of this variant in disease. Therefore, it has been classified as a Variant of Uncertain Significance.

NM_000321.3(RB1):c.2418T>G (p.Ile806Met)

Gene: RB1 (RB transcriptional corepressor 1; plus strand). Cytogenetic location: 13q14.2.
Variant type: single nucleotide variant.
Coding change: c.2418T>G on transcript NM_000321.3 (MANE Select); coding-DNA position 2418, T replaced by G.
Protein change: p.Ile806Met; replaces isoleucine 806 with methionine.
Molecular consequence: missense variant.
Genome position (GRCh38, 1-based): chr13:48,465,297, T>G. VCF-style: chr13-48465297-T-G. GRCh37 (hg19) VCF-style: chr13-49039433-T-G.
Other names: short protein forms I806M.
Identifiers: ClinVar variation 848543 (VCV000848543.9), dbSNP rs1368593116, ClinGen allele CA388167940.